The following is an entry in ClinVar:

NM_004380.3(CREBBP):c.3142G>C (p.Val1048Leu)

Gene: CREBBP (CREB binding lysine acetyltransferase; minus strand). Cytogenetic location: 16p13.3.
Variant type: single nucleotide variant.
Coding change: c.3142G>C on transcript NM_004380.3 (MANE Select); coding-DNA position 3142, G replaced by C.
Protein change: p.Val1048Leu; replaces valine 1048 with leucine.
Molecular consequence: missense variant.
Genome position (GRCh38, 1-based): chr16:3,767,828, C>G on the plus strand (G>C on the coding strand, the complement: CREBBP is on the minus strand). VCF-style: chr16-3767828-C-G. GRCh37 (hg19) VCF-style: chr16-3817829-C-G.
Other names: c.3142G>C (NM_004380.2); c.3028G>C, p.Val1010Leu (NM_001079846.1); short protein forms V1048L, V1010L.
Identifiers: ClinVar variation 596216 (VCV000596216.7), dbSNP rs1210983463, ClinGen allele CA394570800.
Genomic context (GRCh38, chr16:3,767,828, plus strand): 5'-TACTGCTACTCTCTTCTTCCTCTTTAACTTCTACTTTCACTTCAGGTTTCTTTTCATCCA[C>G]TTCCATTGGTTCTGATTTCTGCTCTGCTATGTCTGTTTCTTCTTTAACTTGGGAAGCTCC-3'
Protein context (NP_004371.2, residues 1038-1058): IAEQKSEPME[Val1048Leu]DEKKPEVKVE

ClinVar aggregate classification (germline): Uncertain significance. Review status: criteria provided, single submitter (1 of 4 stars). 2 submissions from 2 submitters: Uncertain significance (1). 1 of the submissions does not count toward it. Last evaluated 2018-03-13.

Conditions:
CREBBP-related disorder. Also called: CREBBP-related disorders; CREBBP-related condition.

Allele frequency attached by ClinVar (database versions not stated): gnomAD exomes below 0.00001 and 0.00002; gnomAD 0.00001; TOPMed 0.00001.
gnomAD v4.1: 36 of 1,614,086 alleles (0.0022%); highest among the groups gnomAD compares: African/African-American, 0.004%; no homozygotes.

Submissions (2):

Eurofins Ntd Llc (ga)
Classification: Uncertain significance. Last evaluated: 2018-03-13. Review status: criteria provided, single submitter. Criteria: EGL ClinVar v180209 classification definitions. Collection method: clinical testing. Allele origin: germline. Observed: 2 variant alleles, 2 heterozygotes.

PreventionGenetics, part of Exact Sciences
Classification: Uncertain significance for CREBBP-related condition. Last evaluated: 2024-01-26. Review status: no assertion criteria provided. Collection method: clinical testing. Allele origin: germline. Not counted in ClinVar's aggregate classification.
Comment: The CREBBP c.3142G>C variant is predicted to result in the amino acid substitution p.Val1048Leu. To our knowledge, this variant has not been reported in the literature. This variant is reported in 0.00088% of alleles in individuals of European (Non-Finnish) descent in gnomAD. At this time, the clinical significance of this variant is uncertain due to the absence of conclusive functional and genetic evidence.